The following is an entry in ClinVar:

ClinVar aggregate classification (germline): Uncertain significance (1 of 4 stars; one submission).

Conditions:
Primary ciliary dyskinesia. Also called: Ciliary dyskinesia. Identifiers: Orphanet 244, MedGen C0008780, MONDO:0016575, HP:0012265.

Submission:

Labcorp Genetics (formerly Invitae), Labcorp
Classification: Uncertain significance for Primary ciliary dyskinesia. Last evaluated: 2022-11-29. Review status: criteria provided, single submitter. Criteria: Invitae Variant Classification Sherloc (09022015). Collection method: clinical testing. Allele origin: germline.
Comment: This variant is not present in population databases (gnomAD no frequency). In summary, the available evidence is currently insufficient to determine the role of this variant in disease. Therefore, it has been classified as a Variant of Uncertain Significance. Algorithms developed to predict the effect of missense changes on protein structure and function (SIFT, PolyPhen-2, Align-GVGD) all suggest that this variant is likely to be disruptive. ClinVar contains an entry for this variant (Variation ID: 1507398). This variant has not been reported in the literature in individuals affected with DNAH11-related conditions. This sequence change replaces threonine, which is neutral and polar, with arginine, which is basic and polar, at codon 2542 of the DNAH11 protein (p.Thr2542Arg).

NM_001277115.2(DNAH11):c.7625C>G (p.Thr2542Arg)

Gene: DNAH11 (dynein axonemal heavy chain 11; plus strand). Cytogenetic location: 7p15.3.
Variant type: single nucleotide variant.
Coding change: c.7625C>G on transcript NM_001277115.2 (MANE Select); coding-DNA position 7625, C replaced by G.
Protein change: p.Thr2542Arg; replaces threonine 2542 with arginine.
Molecular consequence: missense variant.
Genome position (GRCh38, 1-based): chr7:21,735,824, C>G. VCF-style: chr7-21735824-C-G. GRCh37 (hg19) VCF-style: chr7-21775442-C-G.
Other names: short protein forms T2542R.
Identifiers: ClinVar variation 1507398 (VCV001507398.8), dbSNP rs772521645, ClinGen allele CA366949235.
Genomic context (GRCh38, chr7:21,735,824, plus strand): 5'-ACACATTGGCAAGTCTCTCTGAGGATTACATAGTATCCCGTGTGCCTTTCAACTACTACA[C>G]GACATCCACAGCTCTGCAAAGTAAGTGCACCTGTTTATTTTCTAGAAACAAGGGATCAAA-3'
Protein context (NP_001264044.1, residues 2532-2552): IVSRVPFNYY[Thr2542Arg]TSTALQKILE